The following is an entry in ClinVar:

ClinVar aggregate classification (germline): Uncertain significance (1 of 4 stars; one submission).

Allele frequency attached by ClinVar (database versions not stated): gnomAD 0.00001; TOPMed 0.00001; gnomAD exomes 0.00003; ExAC 0.00006.
gnomAD v4.1: 41 of 1,613,876 alleles (0.0025%); highest among the groups gnomAD compares: South Asian, 0.013%; no homozygotes.

Submission:

Labcorp Genetics (formerly Invitae), Labcorp
Classification: Uncertain significance. Last evaluated: 2022-09-07. Review status: criteria provided, single submitter. Criteria: Invitae Variant Classification Sherloc (09022015). Collection method: clinical testing. Allele origin: germline.
Comment: This sequence change replaces arginine, which is basic and polar, with glutamine, which is neutral and polar, at codon 771 of the ADAMTS9 protein (p.Arg771Gln). In summary, the available evidence is currently insufficient to determine the role of this variant in disease. Therefore, it has been classified as a Variant of Uncertain Significance. Algorithms developed to predict the effect of missense changes on protein structure and function (SIFT, PolyPhen-2, Align-GVGD) all suggest that this variant is likely to be tolerated. This variant has not been reported in the literature in individuals affected with ADAMTS9-related conditions. This variant is present in population databases (rs758052571, gnomAD 0.02%).

NM_182920.2(ADAMTS9):c.2312G>A (p.Arg771Gln)

Gene: ADAMTS9 (ADAM metallopeptidase with thrombospondin type 1 motif 9; minus strand). Cytogenetic location: 3p14.1.
Variant type: single nucleotide variant.
Coding change: c.2312G>A on transcript NM_182920.2 (MANE Select); coding-DNA position 2312, G replaced by A.
Protein change: p.Arg771Gln; replaces arginine 771 with glutamine.
Molecular consequence: missense variant.
Genome position (GRCh38, 1-based): chr3:64,631,532, C>T on the plus strand (G>A on the coding strand, the complement: ADAMTS9 is on the minus strand). VCF-style: chr3-64631532-C-T. GRCh37 (hg19) VCF-style: chr3-64617208-C-T.
Other names: c.2228G>A, p.Arg743Gln (NM_001318781.2); short protein forms R743Q, R771Q.
Identifiers: ClinVar variation 1930987 (VCV001930987.5), dbSNP rs758052571, ClinGen allele CA2481235.